The following is an entry in ClinVar:

ClinVar aggregate classification (germline): Likely benign. Review status: criteria provided, multiple submitters, no conflicts (2 of 4 stars). 4 submissions from 4 submitters: Likely benign (3). 1 of the submissions does not count toward it. Last evaluated 2026-01-05.

Conditions:
PKHD1-related disorder. Also called: PKHD1-related condition.
Autosomal recessive polycystic kidney disease (ARPKD). Also called: AR polycystic kidney disease. Identifiers: Orphanet 731, Orphanet 8378, MedGen C0085548, MeSH D017044, MONDO:0009889.

Allele frequency attached by ClinVar (database versions not stated): ExAC 0.00005; gnomAD 0.00005 and 0.00006; gnomAD exomes 0.00006 and 0.00011; TOPMed 0.00011; ESP Exome Variant Server 0.00023.
gnomAD v4.1: 179 of 1,614,040 alleles (0.011%); highest among the groups gnomAD compares: Middle Eastern, 0.016%; no homozygotes.

Submissions (4):

Labcorp Genetics (formerly Invitae), Labcorp
Classification: Likely benign for Autosomal recessive polycystic kidney disease. Last evaluated: 2026-01-05. Review status: criteria provided, single submitter. Criteria: Invitae Variant Classification Sherloc (09022015). Collection method: clinical testing. Allele origin: germline.

Blueprint Genetics
Classification: Likely benign. Last evaluated: 2024-10-03. Review status: criteria provided, single submitter. Criteria: ACMG Guidelines, 2015. Collection method: clinical testing. Allele origin: germline.

Breakthrough Genomics
Classification: Likely benign. Review status: criteria provided, single submitter. Criteria: ACMG Guidelines, 2015. Collection method: not provided. Allele origin: germline. Inheritance: Autosomal recessive inheritance. Affected: yes.

PreventionGenetics, part of Exact Sciences
Classification: Likely benign for PKHD1-related condition. Last evaluated: 2022-07-25. Review status: no assertion criteria provided. Collection method: clinical testing. Allele origin: germline. Not counted in ClinVar's aggregate classification.
Comment: This variant is classified as likely benign based on ACMG/AMP sequence variant interpretation guidelines (Richards et al. 2015 PMID: 25741868, with internal and published modifications).

NM_138694.4(PKHD1):c.977-9G>A

Gene: PKHD1 (PKHD1 ciliary IPT domain containing fibrocystin/polyductin; minus strand). Cytogenetic location: 6p12.2.
Variant type: single nucleotide variant.
Coding change: c.977-9G>A on transcript NM_138694.4 (MANE Select); 9 bases into the intron before coding-DNA position 977, G replaced by A.
Molecular consequence: intron variant.
Genome position (GRCh38, 1-based): chr6:52,062,669, C>T on the plus strand (G>A on the coding strand, the complement: PKHD1 is on the minus strand). VCF-style: chr6-52062669-C-T. GRCh37 (hg19) VCF-style: chr6-51927467-C-T.
Other names: c.977-9G>A (NM_170724.3).
Identifiers: ClinVar variation 695471 (VCV000695471.15), dbSNP rs372205619, ClinGen allele CA3853670.